The following is an entry in ClinVar:

NM_001292063.2(OTOG):c.8579C>T (p.Ala2860Val)

Gene: OTOG (otogelin; plus strand). Cytogenetic location: 11p15.1.
Variant type: single nucleotide variant.
Coding change: c.8579C>T on transcript NM_001292063.2 (MANE Select); coding-DNA position 8579, C replaced by T.
Protein change: p.Ala2860Val; replaces alanine 2860 with valine.
Molecular consequence: missense variant.
Genome position (GRCh38, 1-based): chr11:17,645,781, C>T. VCF-style: chr11-17645781-C-T. GRCh37 (hg19) VCF-style: chr11-17667328-C-T.
Other names: c.8615C>T, p.Ala2872Val (NM_001277269.2); short protein forms A2860V, A2872V.
Identifiers: ClinVar variation 3340921 (VCV003340921.1).

ClinVar aggregate classification (germline): Uncertain significance (1 of 4 stars; one submission).

gnomAD v4.1: 19 of 1,551,050 alleles (0.0012%); highest among the groups gnomAD compares: Middle Eastern, 0.083%; no homozygotes.

Submission:

GeneDx
Classification: Uncertain significance. Last evaluated: 2024-02-26. Review status: criteria provided, single submitter. Criteria: GeneDx Variant Classification Process June 2021. Collection method: clinical testing. Allele origin: germline. Affected: yes.
Comment: In silico analysis supports that this missense variant has a deleterious effect on protein structure/function; Has not been previously published as pathogenic or benign to our knowledge